The following is an entry in ClinVar:

NM_001003800.2(BICD2):c.213C>T (p.Ile71=)

Gene: BICD2 (BICD cargo adaptor 2; minus strand). Cytogenetic location: 9q22.31.
Variant type: single nucleotide variant.
Coding change: c.213C>T on transcript NM_001003800.2 (MANE Select); coding-DNA position 213, C replaced by T.
Protein change: p.Ile71=; no amino-acid change (isoleucine 71 retained).
Molecular consequence: synonymous variant.
Genome position (GRCh38, 1-based): chr9:92,764,532, G>A on the plus strand (C>T on the coding strand, the complement: BICD2 is on the minus strand). VCF-style: chr9-92764532-G-A. GRCh37 (hg19) VCF-style: chr9-95526814-G-A.
Other names: c.213C>T, p.Ile71= (NM_015250.4).
Identifiers: ClinVar variation 383087 (VCV000383087.5), dbSNP rs1057521518, ClinGen allele CA16606572.

ClinVar aggregate classification (germline): Likely benign. Review status: criteria provided, multiple submitters, no conflicts (2 of 4 stars). 3 submissions from 3 submitters: Likely benign (3). Last evaluated 2024-04-03.

Conditions:
Inborn genetic diseases. Identifiers: MedGen C0950123, MeSH D030342.
Autosomal dominant childhood-onset proximal spinal muscular atrophy with contractures (SMALED2A). Also called: SPINAL MUSCULAR ATROPHY, LOWER EXTREMITY-PREDOMINANT, 2A, CHILDHOOD ONSET, AUTOSOMAL DOMINANT; Spinal muscular atrophy, lower extremity-predominant, 2A, autosomal dominant. Identifiers: Orphanet 363447, Orphanet 363454, MedGen C4747715, MONDO:0014121, OMIM 615290.

Allele frequency attached by ClinVar (database versions not stated): TOPMed below 0.00001; gnomAD exomes 0.00001.
gnomAD v4.1: 11 of 1,538,964 alleles (0.00071%); highest among the groups gnomAD compares: African/African-American, 0.0014%; no homozygotes.

Submissions (3):

Labcorp Genetics (formerly Invitae), Labcorp
Classification: Likely benign for Autosomal dominant childhood-onset proximal spinal muscular atrophy with contractures. Last evaluated: 2024-04-03. Review status: criteria provided, single submitter. Criteria: Invitae Variant Classification Sherloc (09022015). Collection method: clinical testing. Allele origin: germline.

Ambry Genetics
Classification: Likely benign for Inborn genetic diseases. Last evaluated: 2019-07-11. Review status: criteria provided, single submitter. Criteria: Ambry Variant Classification Scheme 2023. Collection method: clinical testing. Allele origin: germline.

GeneDx
Classification: Likely benign. Last evaluated: 2016-04-14. Review status: criteria provided, single submitter. Criteria: GeneDx Variant Classification (06012015). Collection method: clinical testing. Allele origin: germline. Affected: yes.
Comment: This variant is considered likely benign or benign based on one or more of the following criteria: it is a conservative change, it occurs at a poorly conserved position in the protein, it is predicted to be benign by multiple in silico algorithms, and/or has population frequency not consistent with disease.